The following is an entry in ClinVar:

NM_152564.5(VPS13B):c.8328_8342del (p.Ser2777_Glu2781del)

Gene: VPS13B (vacuolar protein sorting 13 homolog B; plus strand). Cytogenetic location: 8q22.2.
Variant type: Deletion.
Coding change: c.8328_8342del on transcript NM_152564.5 (MANE Select); coding-DNA positions 8328 to 8342, 15 bases deleted (ATCCAAAGCCCCTGA).
Protein change: p.Ser2777_Glu2781del.
Molecular consequence: inframe deletion. On other transcripts: inframe indel (1).
Genome position (GRCh38, 1-based): chr8:99,817,770-99,817,784, ATCCAAAGCCCCTGA deleted; deleting any 15 consecutive bases within chr8:99,817,768-99,817,784 gives the same sequence; the c. name uses the placement nearest the transcript's 3' end. VCF-style (leftmost placement, unchanged base first): chr8-99817767-GGAATCCAAAGCCCCT-G. GRCh37 (hg19) VCF-style: chr8-100829995-GGAATCCAAAGCCCCT-G.
Other names: c.8403_8417del, p.Ser2802_Glu2806del (NM_017890.5); c.8328_8342del15 (NM_152564.4).
Identifiers: ClinVar variation 5000768 (VCV005000768.1).
Genomic context (GRCh38, chr8:99,817,767, plus strand): 5'-ACTGACGGAGCTGTGTGTGAAGGCCAAAGGAGATGAAGACTGGTCAAGAGATGTGTGCCT[GGAATCCAAAGCCCCT>G]GAGTACAGCATTGTCATTCAGGTTTGAAAAGACGTTCAATCTAGAATAGAGCAGCTTTAC-3'

ClinVar aggregate classification (germline): Uncertain significance (1 of 4 stars; one submission).

Conditions:
VPS13B-related disorder. Also called: VPS13B-related condition.

Submission:

PreventionGenetics, part of Exact Sciences
Classification: Uncertain significance for VPS13B-related condition. Last evaluated: 2025-05-06. Review status: criteria provided, single submitter. Criteria: ACMG Guidelines, 2015. Collection method: clinical testing. Allele origin: germline.
Comment: The VPS13B c.8328_8342del15 variant is predicted to result in an in-frame deletion (p.Ser2777_Glu2781del). To our knowledge, this variant has not been reported in the literature or in a large population database (gnomAD), indicating this variant is rare. At this time, the clinical significance of this variant is uncertain due to the absence of conclusive functional and genetic evidence.